The following is an entry in ClinVar:

ClinVar aggregate classification (germline): Uncertain significance. Review status: criteria provided, multiple submitters, no conflicts (2 of 4 stars). 2 submissions from 2 submitters: Uncertain significance (2). Last evaluated 2024-11-17.

Conditions:
Lethal congenital glycogen storage disease of heart. Also called: GLYCOGEN STORAGE DISEASE OF HEART; PHOSPHORYLASE KINASE DEFICIENCY OF HEART. Identifiers: Orphanet 439854, MedGen C1849813, MONDO:0009867, OMIM 261740.
Cardiomyopathy (CMYO). Also called: Cardiomyopathies. Identifiers: Orphanet 167848, MedGen C0878544, MONDO:0004994, HP:0001638. Inheritance: Various modes of inheritance.

Allele frequency attached by ClinVar (database versions not stated): gnomAD exomes below 0.00001; TOPMed below 0.00001; gnomAD 0.00001.

Submissions (2):

Color Diagnostics, LLC DBA Color Health
Classification: Uncertain significance for Cardiomyopathy. Last evaluated: 2024-11-17. Review status: criteria provided, single submitter. Criteria: ACMG Guidelines, 2015. Collection method: clinical testing. Allele origin: germline.
Comment: This missense variant replaces proline with serine at codon 166 of the PRKAG2 protein. Computational prediction suggests that this variant may not impact protein structure and function (internally defined REVEL score threshold <= 0.5, PMID: 27666373). To our knowledge, functional studies have not been reported for this variant. This variant has not been reported in individuals affected with PRKAG2-related disorders in the literature. This variant has not been identified in the general population by the Genome Aggregation Database (gnomAD). The available evidence is insufficient to determine the role of this variant in disease conclusively. Therefore, this variant is classified as a Variant of Uncertain Significance.

Genetics and Molecular Pathology, SA Pathology
Classification: Uncertain significance for Lethal congenital glycogen storage disease of heart. Last evaluated: 2019-07-11. Review status: criteria provided, single submitter. Criteria: ACMG Guidelines, 2015. Collection method: clinical testing. Allele origin: germline. Inheritance: Autosomal dominant inheritance.

NM_016203.4(PRKAG2):c.496C>T (p.Pro166Ser)

Gene: PRKAG2 (protein kinase AMP-activated non-catalytic subunit gamma 2; minus strand). Cytogenetic location: 7q36.1.
Variant type: single nucleotide variant.
Coding change: c.496C>T on transcript NM_016203.4 (MANE Select); coding-DNA position 496, C replaced by T.
Protein change: p.Pro166Ser; replaces proline 166 with serine.
Molecular consequence: missense variant.
Genome position (GRCh38, 1-based): chr7:151,675,608, G>A on the plus strand (C>T on the coding strand, the complement: PRKAG2 is on the minus strand). VCF-style: chr7-151675608-G-A. GRCh37 (hg19) VCF-style: chr7-151372694-G-A.
Other names: c.364C>T, p.Pro122Ser (NM_001040633.2, NM_001407024.1, NM_001407026.1 and 1 more transcripts); c.124C>T, p.Pro42Ser (NM_001304527.2, NM_001363698.2, NM_001407028.1 and 1 more transcripts); c.496C>T, p.Pro166Ser (NM_001407021.1, NM_001407022.1, NM_001407023.1); c.178C>T, p.Pro60Ser (NM_001407032.1); short protein forms P122S, P166S, P42S, P60S.
Identifiers: ClinVar variation 1803097 (VCV001803097.3), dbSNP rs1380074442, ClinGen allele CA370188310.